The following is an entry in ClinVar:

ClinVar aggregate classification (germline): Benign. Review status: criteria provided, multiple submitters, no conflicts (2 of 4 stars). 2 submissions from 2 submitters: Benign (2). Last evaluated 2018-06-14.

Allele frequency attached by ClinVar (database versions not stated): gnomAD exomes 0.03355; gnomAD 0.04158 and 0.04165; 1000 Genomes Project 30x 0.04279; 1000 Genomes Project 0.04313; TOPMed 0.04331.
gnomAD v4.1: 54,978 of 1,597,606 alleles (3.4%); highest among the groups gnomAD compares: Admixed American, 5.7%; 1,112 homozygotes.

Submissions (2):

GeneDx
Classification: Benign. Last evaluated: 2018-06-14. Review status: criteria provided, single submitter. Criteria: GeneDx Variant Classification (06012015). Collection method: clinical testing. Allele origin: germline. Affected: yes.
Comment: This variant is considered likely benign or benign based on one or more of the following criteria: it is a conservative change, it occurs at a poorly conserved position in the protein, it is predicted to be benign by multiple in silico algorithms, and/or has population frequency not consistent with disease.

Breakthrough Genomics
Classification: Benign. Review status: criteria provided, single submitter. Criteria: ACMG Guidelines, 2015. Collection method: not provided. Allele origin: germline. Inheritance: Autosomal recessive inheritance. Affected: yes.

NM_014844.5(TECPR2):c.3076-62G>A

Gene: TECPR2 (tectonin beta-propeller repeat containing 2; plus strand). Cytogenetic location: 14q32.31.
Variant type: single nucleotide variant.
Coding change: c.3076-62G>A on transcript NM_014844.5 (MANE Select); 62 bases into the intron before coding-DNA position 3076, G replaced by A.
Molecular consequence: intron variant.
Genome position (GRCh38, 1-based): chr14:102,449,567, G>A. VCF-style: chr14-102449567-G-A. GRCh37 (hg19) VCF-style: chr14-102915904-G-A.
Other names: c.3076-62G>A (NM_001172631.3).
Identifiers: ClinVar variation 672801 (VCV000672801.2), dbSNP rs76998408, ClinGen allele CA267070955.